The following is an entry in ClinVar:

NM_014043.4(CHMP2B):c.73C>T (p.Gln25Ter)

Gene: CHMP2B (charged multivesicular body protein 2B; plus strand). Cytogenetic location: 3p11.2.
Variant type: single nucleotide variant.
Coding change: c.73C>T on transcript NM_014043.4 (MANE Select); coding-DNA position 73, C replaced by T.
Protein change: p.Gln25Ter; replaces glutamine 25 with a stop codon.
Molecular consequence: nonsense. On other transcripts: intron variant (1).
Genome position (GRCh38, 1-based): chr3:87,240,737, C>T. VCF-style: chr3-87240737-C-T. GRCh37 (hg19) VCF-style: chr3-87289887-C-T.
Other names: c.169C>T, p.Gln57Ter (NM_001410777.1); c.4-4977C>T (NM_001244644.2); short protein forms Q25*, Q57*.
Identifiers: ClinVar variation 3344345 (VCV003344345.1).

ClinVar aggregate classification (germline): Uncertain significance (0 of 4 stars; one submission).

Conditions:
CHMP2B-related disorder. Also called: CHMP2B-related condition.

Submission:

PreventionGenetics, part of Exact Sciences
Classification: Uncertain significance for CHMP2B-related condition. Last evaluated: 2024-09-03. Review status: no assertion criteria provided. Collection method: clinical testing. Allele origin: germline.
Comment: The CHMP2B c.73C>T variant is predicted to result in premature protein termination (p.Gln25*). To our knowledge, this variant has not been reported in the literature. This variant is reported in 0.00088% of alleles in individuals of European (Non-Finnish) descent in gnomAD. There is currently not enough clinical and genetic evidence to establish whether loss-of-function variants in CHMP2B cause disease. At this time, the clinical significance of this variant is uncertain due to the absence of conclusive functional and genetic evidence.